The following is an entry in ClinVar:

ClinVar aggregate classification (germline): Uncertain significance (1 of 4 stars; one submission).

Conditions:
Inborn genetic diseases. Identifiers: MedGen C0950123, MeSH D030342.

gnomAD v4.1: 6 of 1,614,078 alleles (0.00037%); highest among the groups gnomAD compares: Non-Finnish European, 0.00051%; no homozygotes.

Submission:

Ambry Genetics
Classification: Uncertain significance for Inborn genetic diseases. Last evaluated: 2016-09-16. Review status: criteria provided, single submitter. Criteria: Ambry Variant Classification Scheme 2023. Collection method: clinical testing. Allele origin: germline.
Comment: The p.A288S variant (also known as c.862G>T), located in coding exon 6 of the SATB2 gene, results from a G to T substitution at nucleotide position 862. The alanine at codon 288 is replaced by serine, an amino acid with similar properties. This variant was not reported in population based cohorts in the following databases: Database of Single Nucleotide Polymorphisms (dbSNP), NHLBI Exome Sequencing Project (ESP), and 1000 Genomes Project. In the ESP, this variant was not observed in 6503 samples (13006 alleles) with coverage at this position. This amino acid position is not well conserved in available vertebrate species. In addition, this alteration is predicted to be tolerated by in silico analysis. Since supporting evidence is limited at this time, the clinical significance of this alteration remains unclear.

NM_001172509.2(SATB2):c.862G>T (p.Ala288Ser)

Gene: SATB2 (SATB homeobox 2; minus strand). Cytogenetic location: 2q33.1.
Variant type: single nucleotide variant.
Coding change: c.862G>T on transcript NM_001172509.2 (MANE Select); coding-DNA position 862, G replaced by T.
Protein change: p.Ala288Ser; replaces alanine 288 with serine.
Molecular consequence: missense variant.
Genome position (GRCh38, 1-based): chr2:199,349,012, C>A on the plus strand (G>T on the coding strand, the complement: SATB2 is on the minus strand). VCF-style: chr2-199349012-C-A. GRCh37 (hg19) VCF-style: chr2-200213735-C-A.
Other names: c.862G>T, p.Ala288Ser (NM_001172517.1, NM_015265.4); short protein forms A288S.
Identifiers: ClinVar variation 589397 (VCV000589397.5), dbSNP rs142825652, ClinGen allele CA350387971.